The following is an entry in ClinVar:

NM_000455.5(STK11):c.1034_1038del (p.His345fs)

Genes: STK11 (serine/threonine kinase 11; plus strand), LOC130062899 (ATAC-STARR-seq lymphoblastoid active region 13597; plus strand). Cytogenetic location: 19p13.3.
Variant type: Deletion.
Coding change: c.1034_1038del on transcript NM_000455.5 (MANE Select); coding-DNA positions 1034 to 1038, 5 bases deleted (ACGGC; older notation c.1034_1038delACGGC).
Protein change: p.His345fs; shifts the reading frame from histidine 345.
Molecular consequence: frameshift variant. On other transcripts: non-coding transcript variant (1).
Genome position (GRCh38, 1-based): chr19:1,223,098-1,223,102, ACGGC deleted; deleting any 5 consecutive bases within chr19:1,223,096-1,223,102 gives the same sequence; the c. name uses the placement nearest the transcript's 3' end. VCF-style (leftmost placement, unchanged base first): chr19-1223095-TGCACG-T. GRCh37 (hg19) VCF-style: chr19-1223094-TGCACG-T.
Other names: c.1034_1038del, p.His345fs (NM_001407255.1); short protein forms H345fs.
Identifiers: ClinVar variation 4730866 (VCV004730866.1).
Genomic context (GRCh38, chr19:1,223,095, plus strand): 5'-CGAGCCCAGACACCAAGGACCGGTGGCGCAGCATGACTGTGGTGCCGTACTTGGAGGACC[TGCACG>T]GCGCGGACGAGGACGAGGACCTCTTCGACATCGAGGATGACATCATCTACACTCAGGACT-3'

ClinVar aggregate classification (germline): Pathogenic (1 of 4 stars; one submission).

Conditions:
Peutz-Jeghers syndrome (PJS). Also called: Peutz-Jeghers polyposis; Periorificial lentiginosis syndrome; POLYPOSIS, HAMARTOMATOUS INTESTINAL; POLYPS-AND-SPOTS SYNDROME. Identifiers: Orphanet 2869, MedGen C0031269, MeSH D010580, MONDO:0008280, OMIM 175200.

Submission:

Labcorp Genetics (formerly Invitae), Labcorp
Classification: Pathogenic for Peutz-Jeghers syndrome. Last evaluated: 2025-11-10. Review status: criteria provided, single submitter. Criteria: Invitae Variant Classification Sherloc (09022015). Collection method: clinical testing. Allele origin: germline.
Comment: This sequence change creates a premature translational stop signal (p.His345Argfs*13) in the STK11 gene. It is expected to result in an absent or disrupted protein product. Loss-of-function variants in STK11 are known to be pathogenic (PMID: 15188174, 16287113). This variant is not present in population databases (gnomAD no frequency). This variant has not been reported in the literature in individuals affected with STK11-related conditions. For these reasons, this variant has been classified as Pathogenic.

Literature cited by the submitters: PubMed 15188174; PubMed 16287113.